The following is an entry in ClinVar:

ClinVar aggregate classification (germline): Uncertain significance. Review status: criteria provided, multiple submitters, no conflicts (2 of 4 stars). 2 submissions from 2 submitters: Uncertain significance (2). Last evaluated 2024-07-09.

Allele frequency attached by ClinVar (database versions not stated): ExAC 0.00001; gnomAD exomes 0.00001 and 0.00002; TOPMed 0.00002; gnomAD 0.00003.

Submissions (2):

Ambry Genetics
Classification: Uncertain significance. Last evaluated: 2024-07-09. Review status: criteria provided, single submitter. Criteria: Ambry Variant Classification Scheme 2023. Collection method: clinical testing. Allele origin: germline.

Labcorp Genetics (formerly Invitae), Labcorp
Classification: Uncertain significance. Last evaluated: 2022-06-13. Review status: criteria provided, single submitter. Criteria: Invitae Variant Classification Sherloc (09022015). Collection method: clinical testing. Allele origin: germline.
Comment: In summary, the available evidence is currently insufficient to determine the role of this variant in disease. Therefore, it has been classified as a Variant of Uncertain Significance. Algorithms developed to predict the effect of missense changes on protein structure and function are either unavailable or do not agree on the potential impact of this missense change (SIFT: "Deleterious"; PolyPhen-2: "Benign"; Align-GVGD: "Class C25"). This variant has not been reported in the literature in individuals affected with DHX38-related conditions. This variant is present in population databases (rs749000951, gnomAD 0.006%). This sequence change replaces proline, which is neutral and non-polar, with leucine, which is neutral and non-polar, at codon 121 of the DHX38 protein (p.Pro121Leu).

NM_014003.4(DHX38):c.362C>T (p.Pro121Leu)

Gene: DHX38 (DEAH-box helicase 38; plus strand). Cytogenetic location: 16q22.2.
Variant type: single nucleotide variant.
Coding change: c.362C>T on transcript NM_014003.4 (MANE Select); coding-DNA position 362, C replaced by T.
Protein change: p.Pro121Leu; replaces proline 121 with leucine.
Molecular consequence: missense variant.
Genome position (GRCh38, 1-based): chr16:72,096,860, C>T. VCF-style: chr16-72096860-C-T. GRCh37 (hg19) VCF-style: chr16-72130759-C-T.
Other names: c.362C>T (NM_014003.3); short protein forms P121L.
Identifiers: ClinVar variation 1406830 (VCV001406830.5), dbSNP rs749000951, ClinGen allele CA8159944.